The following is an entry in ClinVar:

NM_004588.5(SCN2B):c.250C>T (p.Arg84Cys)

Gene: SCN2B (sodium voltage-gated channel beta subunit 2; minus strand). Cytogenetic location: 11q23.3.
Variant type: single nucleotide variant.
Coding change: c.250C>T on transcript NM_004588.5 (MANE Select); coding-DNA position 250, C replaced by T.
Protein change: p.Arg84Cys; replaces arginine 84 with cysteine.
Molecular consequence: missense variant.
Genome position (GRCh38, 1-based): chr11:118,168,283, G>A on the plus strand (C>T on the coding strand, the complement: SCN2B is on the minus strand). VCF-style: chr11-118168283-G-A. GRCh37 (hg19) VCF-style: chr11-118038998-G-A.
Other names: short protein forms R84C.
Identifiers: ClinVar variation 408876 (VCV000408876.12), dbSNP rs760669515, ClinGen allele CA6300493.

ClinVar aggregate classification (germline): Uncertain significance. Review status: criteria provided, multiple submitters, no conflicts (2 of 4 stars). 2 submissions from 2 submitters: Uncertain significance (2). Last evaluated 2024-06-22.

Conditions:
Cardiovascular phenotype. Identifiers: MedGen CN230736.
Atrial fibrillation, familial, 14 (ATFB14). Identifiers: MedGen C3809312, MONDO:0014156, OMIM 615378.

Allele frequency attached by ClinVar (database versions not stated): gnomAD exomes 0.00006 and 0.00002; TOPMed 0.00006; gnomAD 0.00012; ExAC 0.00005.

Submissions (2):

Labcorp Genetics (formerly Invitae), Labcorp
Classification: Uncertain significance for Atrial fibrillation, familial, 14. Last evaluated: 2024-06-22. Review status: criteria provided, single submitter. Criteria: Invitae Variant Classification Sherloc (09022015). Collection method: clinical testing. Allele origin: germline.
Comment: This sequence change replaces arginine, which is basic and polar, with cysteine, which is neutral and slightly polar, at codon 84 of the SCN2B protein (p.Arg84Cys). This variant is present in population databases (rs760669515, gnomAD 0.03%). This variant has not been reported in the literature in individuals affected with SCN2B-related conditions. ClinVar contains an entry for this variant (Variation ID: 408876). An algorithm developed to predict the effect of missense changes on protein structure and function (PolyPhen-2) suggests that this variant is likely to be disruptive. In summary, the available evidence is currently insufficient to determine the role of this variant in disease. Therefore, it has been classified as a Variant of Uncertain Significance.

Ambry Genetics
Classification: Uncertain significance for Cardiovascular phenotype. Last evaluated: 2020-07-28. Review status: criteria provided, single submitter. Criteria: Ambry Variant Classification Scheme 2023. Collection method: clinical testing. Allele origin: germline.
Comment: The p.R84C variant (also known as c.250C>T), located in coding exon 3 of the SCN2B gene, results from a C to T substitution at nucleotide position 250. The arginine at codon 84 is replaced by cysteine, an amino acid with highly dissimilar properties. This individual also carried missense alterations in ANK2 (c.9689C>T p.Thr3230Met), CTNNA3 (c.1853A>G p.His618Arg), and TCAP (c.145G>A p.Glu49Lys) (Song JS et al. J. Hum. Genet., 2017 Jun;62:615-620). This amino acid position is well conserved in available vertebrate species. In addition, the in silico prediction for this alteration is inconclusive. Since supporting evidence is limited at this time, the clinical significance of this alteration remains unclear.

Literature cited by the submitters: PubMed 28202948 (cited by Ambry Genetics).